The following is an entry in ClinVar:

NM_000218.3(KCNQ1):c.45G>A (p.Trp15Ter)

Gene: KCNQ1 (potassium voltage-gated channel subfamily Q member 1; plus strand). Cytogenetic location: 11p15.5.
Variant type: single nucleotide variant.
Coding change: c.45G>A on transcript NM_000218.3 (MANE Select); coding-DNA position 45, G replaced by A.
Protein change: p.Trp15Ter; replaces tryptophan 15 with a stop codon.
Molecular consequence: nonsense. On other transcripts: 5 prime UTR variant (1).
Genome position (GRCh38, 1-based): chr11:2,445,143, G>A. VCF-style: chr11-2445143-G-A. GRCh37 (hg19) VCF-style: chr11-2466373-G-A.
Other names: c.45G>A, p.Trp15Ter (NM_001406836.1, NM_001406838.1); c.-318G>A (NM_001406837.1); short protein forms W15*.
Identifiers: ClinVar variation 4531894 (VCV004531894.1).

ClinVar aggregate classification (germline): Pathogenic (1 of 4 stars; one submission).

Conditions:
Long QT syndrome 1 (LQT1). Identifiers: Orphanet 101016, Orphanet 768, MedGen C4551647, MONDO:0100316, OMIM 192500, MONDO:0008646.

Submission:

Victorian Clinical Genetics Services, Murdoch Childrens Research Institute
Classification: Pathogenic for Long QT syndrome 1. Last evaluated: 2025-11-09. Review status: criteria provided, single submitter. Criteria: ACMG Guidelines, 2015. Collection method: clinical testing. Allele origin: germline. Affected: yes.
Comment: This variant is classified as Pathogenic. Evidence in support of pathogenic classification: Variant is predicted to result in a truncated protein (premature termination codon is located within the first 102 nucleotides of the coding sequence and is predicted to escape nonsense-mediated decay); Variant is absent from gnomAD (v2, v3 and v4); Other variant(s) comparable to the one identified in this case have strong previous evidence for pathogenicity. At least four premature termination variants located within the first 102 nucleotides of the coding sequence have been reported as pathogenic and likely pathogenic in ClinVar; a few of which have been detected in individuals with LQTS (PMIDs: 27871843, 34505893). Additional information: This variant is heterozygous; This gene is known to be associated with both recessive and dominant disease. JLNS is characterised by congenital, bilateral deafness and variable degrees of QT prolongation, and is the only condition caused by biallelic variants (PMID: 28438721); Previous evidence of pathogenicity for this variant is inconclusive. No published segregation evidence has been identified for this variant; No published functional evidence has been identified for this variant; Dominant negative, loss of function and gain of function are known mechanisms of disease in this gene. Gain of function variants result exclusively in short QT syndrome 2 (MIM#609621), while dominant negative and loss of function variants can cause long QT syndrome 1 (LQTS, MIM#192500), familial atrial fibrillation 3 (MIM#607554) as well as Jervell and Lange-Nielsen syndrome (JLNS, MIM#220400) (OMIM, PMIDs: 19632626, 28438721); The condition associated with this gene has incomplete penetrance (OMIM, PMID: 20301308); Inheritance information for this variant is not currently available in this individual.

Literature cited by the submitters: PubMed 34691145; PubMed 34505893; PubMed 27871843; PubMed 28438721; PubMed 20301308; PubMed 19632626.